The following is an entry in ClinVar:

ClinVar aggregate classification (germline): Uncertain significance (1 of 4 stars; one submission).

Allele frequency attached by ClinVar (database versions not stated): gnomAD 0.00001.
gnomAD v4.1: 1 of 1,601,226 alleles (0.000062%); highest among the groups gnomAD compares: African/African-American, 0.0013%; no homozygotes.

Submission:

Labcorp Genetics (formerly Invitae), Labcorp
Classification: Uncertain significance. Last evaluated: 2021-04-08. Review status: criteria provided, single submitter. Criteria: Invitae Variant Classification Sherloc (09022015). Collection method: clinical testing. Allele origin: germline.
Comment: Algorithms developed to predict the effect of missense changes on protein structure and function are either unavailable or do not agree on the potential impact of this missense change (SIFT: "Deleterious"; PolyPhen-2: "Probably Damaging"; Align-GVGD: "Class C0"). In summary, the available evidence is currently insufficient to determine the role of this variant in disease. Therefore, it has been classified as a Variant of Uncertain Significance. This variant has not been reported in the literature in individuals with ADGRV1-related conditions. This sequence change replaces glutamic acid with aspartic acid at codon 3999 of the ADGRV1 protein (p.Glu3999Asp). The glutamic acid residue is highly conserved and there is a small physicochemical difference between glutamic acid and aspartic acid. This variant is not present in population databases (ExAC no frequency).

NM_032119.4(ADGRV1):c.11997G>C (p.Glu3999Asp)

Gene: ADGRV1 (adhesion G protein-coupled receptor V1; plus strand). Cytogenetic location: 5q14.3.
Variant type: single nucleotide variant.
Coding change: c.11997G>C on transcript NM_032119.4 (MANE Select); coding-DNA position 11997, G replaced by C.
Protein change: p.Glu3999Asp; replaces glutamic acid 3999 with aspartic acid.
Molecular consequence: missense variant. On other transcripts: non-coding transcript variant (1).
Genome position (GRCh38, 1-based): chr5:90,759,465, G>C. VCF-style: chr5-90759465-G-C. GRCh37 (hg19) VCF-style: chr5-90055282-G-C.
Other names: short protein forms E3999D.
Identifiers: ClinVar variation 1385924 (VCV001385924.8), dbSNP rs1756218590, ClinGen allele CA360373456.
Genomic context (GRCh38, chr5:90,759,465, plus strand): 5'-ATAGGTTACTGCAATGATAGAAATCACCATAATTGATGATGCTGAATTTGAATTGACAGA[G>C]ACGTTCAATATTTCCTTGATCAGTGTTGCTGGAGGTGGCAGACTTGGTGATGATGTTGTG-3'
Protein context (NP_115495.3, residues 3989-4009): IIDDAEFELT[Glu3999Asp]TFNISLISVA